The following is an entry in ClinVar:

NM_000463.3(UGT1A1):c.680A>G (p.Tyr227Cys)

Genes: UGT1A (UDP glucuronosyltransferase family 1 member A complex locus; plus strand), UGT1A1 (UDP glucuronosyltransferase family 1 member A1; plus strand), UGT1A10 (UDP glucuronosyltransferase family 1 member A10; plus strand), UGT1A3 (UDP glucuronosyltransferase family 1 member A3; plus strand), UGT1A4 (UDP glucuronosyltransferase family 1 member A4; plus strand) and 5 more. Cytogenetic location: 2q37.1.
Variant type: single nucleotide variant.
Coding change: c.680A>G on transcript NM_000463.3 (MANE Select); coding-DNA position 680, A replaced by G.
Protein change: p.Tyr227Cys; replaces tyrosine 227 with cysteine.
Molecular consequence: missense variant. On other transcripts: intron variant (9).
Genome position (GRCh38, 1-based): chr2:233,760,967, A>G. VCF-style: chr2-233760967-A-G. GRCh37 (hg19) VCF-style: chr2-234669613-A-G.
Other names: c.856-6067A>G (NM_019076.5, NM_019075.4, NM_021027.3 and 1 more transcripts); c.61-6067A>G (NM_205862.3); c.862-6067A>G (NM_001072.4); c.868-6067A>G (NM_019078.2, NM_007120.3, NM_019093.4); short protein forms Y227C.
Identifiers: ClinVar variation 3704288 (VCV003704288.2).

ClinVar aggregate classification (germline): Uncertain significance (1 of 4 stars; one submission).

Submission:

Labcorp Genetics (formerly Invitae), Labcorp
Classification: Uncertain significance. Last evaluated: 2024-10-02. Review status: criteria provided, single submitter. Criteria: Invitae Variant Classification Sherloc (09022015). Collection method: clinical testing. Allele origin: germline.
Comment: This sequence change replaces tyrosine, which is neutral and polar, with cysteine, which is neutral and slightly polar, at codon 227 of the UGT1A1 protein (p.Tyr227Cys). This variant is not present in population databases (gnomAD no frequency). This variant has not been reported in the literature in individuals affected with UGT1A1-related conditions. Invitae Evidence Modeling of protein sequence and biophysical properties (such as structural, functional, and spatial information, amino acid conservation, physicochemical variation, residue mobility, and thermodynamic stability) indicates that this missense variant is not expected to disrupt UGT1A1 protein function with a negative predictive value of 80%. In summary, the available evidence is currently insufficient to determine the role of this variant in disease. Therefore, it has been classified as a Variant of Uncertain Significance.